The following is an entry in ClinVar:

ClinVar aggregate classification (germline): Uncertain significance (1 of 4 stars; one submission).

Conditions:
Glycine encephalopathy. Also called: Nonketotic hyperglycinemia; Non-ketotic hyperglycinemia. Identifiers: Orphanet 407, MedGen C0751748, MONDO:0011612, HP:0008288.

Allele frequency attached by ClinVar (database versions not stated): gnomAD 0.00001; TOPMed 0.00001.

Submission:

Labcorp Genetics (formerly Invitae), Labcorp
Classification: Uncertain significance for Glycine encephalopathy. Last evaluated: 2021-10-10. Review status: criteria provided, single submitter. Criteria: Invitae Variant Classification Sherloc (09022015). Collection method: clinical testing. Allele origin: germline.
Comment: This sequence change replaces valine with isoleucine at codon 241 of the AMT protein (p.Val241Ile). The valine residue is highly conserved and there is a small physicochemical difference between valine and isoleucine. This variant is not present in population databases (ExAC no frequency). This variant has not been reported in the literature in individuals with AMT-related conditions. Advanced modeling of protein sequence and biophysical properties (such as structural, functional, and spatial information, amino acid conservation, physicochemical variation, residue mobility, and thermodynamic stability) performed at Invitae indicates that this missense variant is not expected to disrupt AMT protein function. In summary, the available evidence is currently insufficient to determine the role of this variant in disease. Therefore, it has been classified as a Variant of Uncertain Significance.

NM_000481.4(AMT):c.721G>A (p.Val241Ile)

Gene: AMT (aminomethyltransferase; minus strand). Cytogenetic location: 3p21.31.
Variant type: single nucleotide variant.
Coding change: c.721G>A on transcript NM_000481.4 (MANE Select); coding-DNA position 721, G replaced by A.
Protein change: p.Val241Ile; replaces valine 241 with isoleucine.
Molecular consequence: missense variant. On other transcripts: non-coding transcript variant (1).
Genome position (GRCh38, 1-based): chr3:49,419,127, C>T on the plus strand (G>A on the coding strand, the complement: AMT is on the minus strand). VCF-style: chr3-49419127-C-T. GRCh37 (hg19) VCF-style: chr3-49456560-C-T.
Other names: c.589G>A, p.Val197Ile (NM_001164710.2); c.553G>A, p.Val185Ile (NM_001164711.2); c.721G>A, p.Val241Ile (NM_001164712.2); short protein forms V197I, V185I, V241I.
Identifiers: ClinVar variation 1503183 (VCV001503183.3), dbSNP rs1004875097, ClinGen allele CA74513616.